The following is an entry in ClinVar:

ClinVar aggregate classification (germline): Pathogenic. Review status: reviewed by expert panel (3 of 4 stars). 4 submissions from 4 submitters: Pathogenic (1). 3 of the submissions do not count toward it. Last evaluated 2016-10-18.

Conditions:
Breast and/or ovarian cancer. Identifiers: MedGen CN221562.
Hereditary cancer-predisposing syndrome. Also called: Tumor predisposition; Neoplastic Syndromes, Hereditary; Hereditary Cancer Syndrome; Hereditary neoplastic syndrome. Identifiers: Orphanet 140162, MedGen C0027672, MeSH D009386, MONDO:0015356.
Breast-ovarian cancer, familial, susceptibility to, 1 (BROVCA1). Also called: OVARIAN CANCER, SUSCEPTIBILITY TO; BRCA1 Hereditary Breast and Ovarian Cancer. Identifiers: Orphanet 145, MedGen C2676676, MONDO:0011450, OMIM 604370. Disease mechanism: loss of function.

Submissions (4):

Evidence-based Network for the Interpretation of Germline Mutant Alleles (ENIGMA)
Classification: Pathogenic for Breast-ovarian cancer, familial, susceptibility to, 1. Last evaluated: 2016-10-18. Review status: reviewed by expert panel. Criteria: ENIGMA BRCA1/2 Classification Criteria (2015). Collection method: curation. Allele origin: germline.
Comment: Variant allele predicted to encode a truncated non-functional protein.

Ambry Genetics
Classification: Pathogenic for Hereditary cancer-predisposing syndrome. Last evaluated: 2022-05-27. Review status: criteria provided, single submitter. Criteria: Ambry Variant Classification Scheme 2023. Collection method: clinical testing. Allele origin: germline. Not counted in ClinVar's aggregate classification.
Comment: The c.2643delA pathogenic mutation, located in coding exon 9 of the BRCA1 gene, results from a deletion of one nucleotide at nucleotide position 2643, causing a translational frameshift with a predicted alternate stop codon (p.E881Dfs*12. This alteration was identified in an individual diagnosed with ovarian cancer (Gorodnova TV et al. Int J Gynecol Cancer, 2018 10;28:1498-1506). Additionally, this alteration was identified in a large, worldwide study of BRCA1/2 mutation positive families (Rebbeck TR et al. Hum Mutat, 2018 05;39:593-620). This variant is considered to be rare based on population cohorts in the Genome Aggregation Database (gnomAD). In addition to the clinical data presented in the literature, this alteration is expected to result in loss of function by premature protein truncation or nonsense-mediated mRNA decay. As such, this alteration is interpreted as a disease-causing mutation.

CHEO Genetics Diagnostic Laboratory, Children's Hospital of Eastern Ontario
Classification: Likely pathogenic for Breast and/or ovarian cancer. Last evaluated: 2019-10-11. Review status: criteria provided, single submitter. Criteria: ACMG Guidelines, 2015. Collection method: clinical testing. Allele origin: germline. Not counted in ClinVar's aggregate classification.

Consortium of Investigators of Modifiers of BRCA1/2 (CIMBA), c/o University of Cambridge
Classification: Pathogenic for Breast-ovarian cancer, familial, susceptibility to, 1. Last evaluated: 2015-10-02. Review status: criteria provided, single submitter. Criteria: CIMBA Mutation Classification guidelines May 2016. Collection method: clinical testing. Allele origin: germline. Not counted in ClinVar's aggregate classification.

Literature cited by the submitters: PubMed 29446198 (cited by Ambry Genetics); PubMed 30247247 (cited by Ambry Genetics).

NM_007294.4(BRCA1):c.2643del (p.Glu881fs)

Gene: BRCA1 (BRCA1 DNA repair associated; minus strand). Cytogenetic location: 17q21.31.
Variant type: Deletion.
Coding change: c.2643del on transcript NM_007294.4 (MANE Select); coding-DNA position 2643, one base deleted (A; older notation c.2643delA).
Protein change: p.Glu881fs; shifts the reading frame from glutamic acid 881.
Molecular consequence: frameshift variant. On other transcripts: intron variant (137).
Genome position (GRCh38, 1-based): chr17:43,092,888, T deleted on the plus strand (A on the coding strand, the reverse complement: BRCA1 is on the minus strand); the first of 2 consecutive T bases (chr17:43,092,888-43,092,889); deleting either gives the same sequence. VCF-style (leftmost placement, unchanged base first): chr17-43092887-AT-A. GRCh37 (hg19) VCF-style: chr17-41244904-AT-A.
Other names: 2762delA; c.2643delA (NM_007294.3); c.2430del, p.Glu810fs (NM_001407571.1, NM_001407853.1, NM_001407894.1 and 9 more transcripts); c.2643del, p.Glu881fs (NM_001407581.1, NM_001407582.1, NM_001407583.1 and 30 more transcripts); c.2640del, p.Glu880fs (NM_001407587.1, NM_001407590.1, NM_001407591.1 and 22 more transcripts); c.2634del, p.Glu878fs (NM_001407646.1, NM_001407647.1); c.2520del, p.Glu840fs (NM_001407648.1, NM_001407664.1, NM_001407665.1 and 19 more transcripts); c.2517del, p.Glu839fs (NM_001407649.1, NM_001407670.1, NM_001407671.1 and 11 more transcripts); and 43 more; short protein forms E881fs, E834fs, E585fs, E770fs, E840fs, E855fs, E793fs, E810fs.
Identifiers: ClinVar variation 54626 (VCV000054626.11), dbSNP rs397508989, ClinGen allele CA001733.